The following is an entry in ClinVar:

NC_000002.11:g.(?_98949644)_(99013718_?)del

Gene: CNGA3 (cyclic nucleotide gated channel subunit alpha 3; plus strand). Cytogenetic location: 2q11.2.
Variant type: Deletion.
Identifiers: ClinVar variation 1073439 (VCV001073439.3).

ClinVar aggregate classification (germline): Pathogenic (1 of 4 stars; one submission).

Submission:

Labcorp Genetics (formerly Invitae), Labcorp
Classification: Pathogenic. Last evaluated: 2020-02-18. Review status: criteria provided, single submitter. Criteria: Invitae Variant Classification Sherloc (09022015). Collection method: clinical testing. Allele origin: germline.
Comment: For these reasons, this variant has been classified as Pathogenic. Loss-of-function variants in CNGA3 are known to be pathogenic (PMID: 14757870, 24903488, 25637600). This variant has not been reported in the literature in individuals with CNGA3-related conditions. A gross deletion of the genomic region encompassing the full coding sequence of the CNGA3 gene has been identified. The boundaries of this event are unknown as the deletion extends beyond the assayed region for this gene and therefore may encompass additional genes.

Literature cited by the submitters: PubMed 14757870; PubMed 24903488; PubMed 25637600.